The following is an entry in ClinVar:

ClinVar aggregate classification (germline): Uncertain significance (1 of 4 stars; one submission).

Conditions:
Developmental and epileptic encephalopathy. Identifiers: MedGen C5779964, MONDO:0100620.

Allele frequency attached by ClinVar (database versions not stated): gnomAD exomes 0.00001.
gnomAD v4.1: 10 of 1,613,808 alleles (0.00062%); highest among the groups gnomAD compares: East Asian, 0.0045%; no homozygotes.

Submission:

Labcorp Genetics (formerly Invitae), Labcorp
Classification: Uncertain significance for Early-infantile DEE. Last evaluated: 2020-03-05. Review status: criteria provided, single submitter. Criteria: Invitae Variant Classification Sherloc (09022015). Collection method: clinical testing. Allele origin: germline.
Comment: This sequence change replaces arginine with lysine at codon 827 of the CACNA2D2 protein (p.Arg827Lys). The arginine residue is weakly conserved and there is a small physicochemical difference between arginine and lysine. This variant is not present in population databases (ExAC no frequency). This variant has not been reported in the literature in individuals with CACNA2D2-related conditions. Algorithms developed to predict the effect of missense changes on protein structure and function (SIFT, PolyPhen-2, Align-GVGD) all suggest that this variant is likely to be tolerated, but these predictions have not been confirmed by published functional studies and their clinical significance is uncertain. In summary, the available evidence is currently insufficient to determine the role of this variant in disease. Therefore, it has been classified as a Variant of Uncertain Significance.

NM_006030.4(CACNA2D2):c.2480G>A (p.Arg827Lys)

Genes: CACNA2D2 (calcium voltage-gated channel auxiliary subunit alpha2delta 2; minus strand), LOC101928965 (uncharacterized LOC101928965; plus strand), LOC127898564 (CYB561D2-LOC101928965; plus strand). Cytogenetic location: 3p21.31.
Variant type: single nucleotide variant.
Coding change: c.2480G>A on transcript NM_006030.4 (MANE Select); coding-DNA position 2480, G replaced by A.
Protein change: p.Arg827Lys; replaces arginine 827 with lysine.
Molecular consequence: missense variant.
Genome position (GRCh38, 1-based): chr3:50,367,031, C>T on the plus strand (G>A on the coding strand, the complement: CACNA2D2 is on the minus strand). VCF-style: chr3-50367031-C-T. GRCh37 (hg19) VCF-style: chr3-50404462-C-T.
Other names: c.2480G>A, p.Arg827Lys (NM_001005505.3); c.2501G>A, p.Arg834Lys (NM_001174051.3); c.2273G>A, p.Arg758Lys (NM_001291101.1); short protein forms R758K, R827K, R834K.
Identifiers: ClinVar variation 845658 (VCV000845658.3), dbSNP rs1704342142, ClinGen allele CA352911645.
Genomic context (GRCh38, chr3:50,367,031, plus strand): 5'-GTCCATTGCCTGTTTCCCCACCTCTGTCCCAAACATTCACCTGCTGGCCTCAGTGTGCGC[C>T]TGCCTAGGCTGAGCTCCACAGCTGTGCTGACGAGGATGCCCACAGTGTCATTCTCCAGCT-3'
Protein context (NP_006021.2, residues 817-837): VSTAVELSLG[Arg827Lys]RTLRPAVVGV